The following is an entry in ClinVar:

ClinVar aggregate classification (germline): Uncertain significance (1 of 4 stars; one submission).

Allele frequency attached by ClinVar (database versions not stated): TOPMed 0.00002; gnomAD 0.00004.
gnomAD v4.1: 8 of 1,614,046 alleles (0.0005%); highest among the groups gnomAD compares: African/African-American, 0.0093%; no homozygotes.

Submission:

Labcorp Genetics (formerly Invitae), Labcorp
Classification: Uncertain significance. Last evaluated: 2025-04-14. Review status: criteria provided, single submitter. Criteria: Invitae Variant Classification Sherloc (09022015). Collection method: clinical testing. Allele origin: germline.
Comment: This sequence change replaces aspartic acid, which is acidic and polar, with asparagine, which is neutral and polar, at codon 384 of the TNFRSF11A protein (p.Asp384Asn). This variant is present in population databases (no rsID available, gnomAD 0.008%). This variant has not been reported in the literature in individuals affected with TNFRSF11A-related conditions. ClinVar contains an entry for this variant (Variation ID: 2129459). An algorithm developed to predict the effect of missense changes on protein structure and function (PolyPhen-2) suggests that this variant is likely to be disruptive. In summary, the available evidence is currently insufficient to determine the role of this variant in disease. Therefore, it has been classified as a Variant of Uncertain Significance.

NM_003839.4(TNFRSF11A):c.1150G>A (p.Asp384Asn)

Gene: TNFRSF11A (TNF receptor superfamily member 11a; plus strand). Cytogenetic location: 18q21.33.
Variant type: single nucleotide variant.
Coding change: c.1150G>A on transcript NM_003839.4 (MANE Select); coding-DNA position 1150, G replaced by A.
Protein change: p.Asp384Asn; replaces aspartic acid 384 with asparagine.
Molecular consequence: missense variant. On other transcripts: intron variant (3).
Genome position (GRCh38, 1-based): chr18:62,369,067, G>A. VCF-style: chr18-62369067-G-A. GRCh37 (hg19) VCF-style: chr18-60036300-G-A.
Other names: c.1108G>A, p.Asp370Asn (NM_001278268.2); c.783+2307G>A (NM_001270949.2); c.730+7274G>A (NM_001270950.2); c.616+9018G>A (NM_001270951.2); short protein forms D384N, D370N.
Identifiers: ClinVar variation 2129459 (VCV002129459.4), dbSNP rs1226847862, ClinGen allele CA402617304.
Genomic context (GRCh38, chr18:62,369,067, plus strand): 5'-ACTGAGCCTGGAAGCAAATCCACACCTCCTTTCTCTGAACCCCTGGAGGTGGGGGAGAAT[G>A]ACAGTTTAAGCCAGTGCTTCACGGGGACACAGAGCACAGTGGGTTCAGAAAGCTGCAACT-3'
Protein context (NP_003830.1, residues 374-394): FSEPLEVGEN[Asp384Asn]SLSQCFTGTQ